The following is an entry in ClinVar:

ClinVar aggregate classification (germline): Conflicting classifications of pathogenicity. Review status: criteria provided, conflicting classifications (1 of 4 stars). 5 submissions from 5 submitters: Pathogenic (1); Likely pathogenic (2); Uncertain significance (1). 1 of the submissions does not count toward it. Last evaluated 2025-04-04.

Conditions:
Smith-Lemli-Opitz syndrome (SLOS). Also called: POLYDACTYLY, SEX REVERSAL, RENAL HYPOPLASIA, AND UNILOBAR LUNG; LETHAL ACRODYSGENITAL SYNDROME; RSH SYNDROME; RUTLEDGE LETHAL MULTIPLE CONGENITAL ANOMALY SYNDROME; 7-Dehydrocholesterol reductase deficiency. Identifiers: Orphanet 818, MedGen C0175694, MONDO:0010035, OMIM 270400.

Allele frequency attached by ClinVar (database versions not stated): gnomAD exomes below 0.00001.
gnomAD v4.1: 1 of 1,612,682 alleles (0.000062%); highest among the groups gnomAD compares: Non-Finnish European, 0.000085%; no homozygotes.

Submissions (5):

Natera, Inc.
Classification: Likely pathogenic for Smith-Lemli-Opitz syndrome. Last evaluated: 2025-04-04. Review status: criteria provided, single submitter. Criteria: Natera Variant Classification Schema (03/2026). Collection method: clinical testing. Allele origin: germline.
Comment: The c.1384T>C variant in DHCR7 is a missense variant predicted to cause substitution of tyrosine to histidine at amino acid 462. This variant is rare in the general population with a frequency below the threshold expected for the associated phenotype(s). This variant has been observed in one or more individuals affected with the associated recessive disease, as either homozygous or compound heterozygous with a second variant (PMID: 10814720, 16983147, 24500076). Computational prediction algorithms indicate this variant is likely to affect gene or protein function. Given the available evidence, this variant is classified as Likely Pathogenic.

Labcorp Genetics (formerly Invitae), Labcorp
Classification: Pathogenic for Smith-Lemli-Opitz syndrome. Last evaluated: 2024-01-06. Review status: criteria provided, single submitter. Criteria: Invitae Variant Classification Sherloc (09022015). Collection method: clinical testing. Allele origin: germline.
Comment: This sequence change replaces tyrosine, which is neutral and polar, with histidine, which is basic and polar, at codon 462 of the DHCR7 protein (p.Tyr462His). This variant is not present in population databases (gnomAD no frequency). This missense change has been observed in individual(s) with Smith-Lemli-Opitz syndrome (PMID: 10814720, 27513191). ClinVar contains an entry for this variant (Variation ID: 93711). Advanced modeling of protein sequence and biophysical properties (such as structural, functional, and spatial information, amino acid conservation, physicochemical variation, residue mobility, and thermodynamic stability) performed at Invitae indicates that this missense variant is expected to disrupt DHCR7 protein function with a positive predictive value of 95%. For these reasons, this variant has been classified as Pathogenic.

GeneDx
Classification: Likely pathogenic. Last evaluated: 2023-02-07. Review status: criteria provided, single submitter. Criteria: GeneDx Variant Classification Process June 2021. Collection method: clinical testing. Allele origin: germline. Affected: yes.
Comment: Not observed at significant frequency in large population cohorts (gnomAD); In silico analysis supports that this missense variant has a deleterious effect on protein structure/function; This variant is associated with the following publications: (PMID: 25405082, 22391996, 24500076, 28349652, 24813812, 27401223, 11001806, 16983147, 10814720, 11241839, 15670717, 11111101, 12914579, 23042628, 16207203)

Eurofins Ntd Llc (ga)
Classification: Uncertain significance. Last evaluated: 2013-04-01. Review status: criteria provided, single submitter. Criteria: EGL Classification Definitions 2015. Collection method: clinical testing. Allele origin: germline. Observed: 1 variant allele, 1 heterozygote.

Counsyl
Classification: Likely pathogenic for Smith-Lemli-Opitz syndrome. Last evaluated: 2016-10-04. Review status: no assertion criteria provided. Collection method: clinical testing. Allele origin: unknown. Not counted in ClinVar's aggregate classification.

Literature cited by the submitters: PubMed 10814720 (cited by 3 submitters); PubMed 16983147 (cited by Natera, Inc.); PubMed 24500076 (cited by Natera, Inc. and Counsyl); PubMed 27513191 (cited by Labcorp Genetics (formerly Invitae), Labcorp); PubMed 22391996 (cited by Counsyl).

NM_001360.3(DHCR7):c.1384T>C (p.Tyr462His)

Gene: DHCR7 (7-dehydrocholesterol reductase; minus strand). Cytogenetic location: 11q13.4.
Variant type: single nucleotide variant.
Coding change: c.1384T>C on transcript NM_001360.3 (MANE Select); coding-DNA position 1384, T replaced by C.
Protein change: p.Tyr462His; replaces tyrosine 462 with histidine.
Molecular consequence: missense variant.
Genome position (GRCh38, 1-based): chr11:71,435,419, A>G on the plus strand (T>C on the coding strand, the complement: DHCR7 is on the minus strand). VCF-style: chr11-71435419-A-G. GRCh37 (hg19) VCF-style: chr11-71146465-A-G.
Other names: c.1384T>C, p.Tyr462His (NM_001163817.2); short protein forms Y462H.
Identifiers: ClinVar variation 93711 (VCV000093711.16), dbSNP rs201270451, ClinGen allele CA221656.
Genomic context (GRCh38, chr11:71,435,419, plus strand): 5'-TCCCTAGGGCGTGCCCTTAGAAGATTCCAGGCAGCAGGCGGTAAGGCACTGCGGCGGTGT[A>G]GCGCTCCCAGTCCCGGCCGTACTTGCTGGCGCAGCGGTGCTCGTCCCGGAGGCAGCGGTG-3'
Protein context (NP_001351.2, residues 452-472): ASKYGRDWER[Tyr462His]TAAVPYRLLP